The following is an entry in ClinVar:

NM_001042424.3(NSD2):c.3889C>T (p.His1297Tyr)

Gene: NSD2 (nuclear receptor binding SET domain protein 2; plus strand). Cytogenetic location: 4p16.3.
Variant type: single nucleotide variant.
Coding change: c.3889C>T on transcript NM_001042424.3 (MANE Select); coding-DNA position 3889, C replaced by T.
Protein change: p.His1297Tyr; replaces histidine 1297 with tyrosine.
Molecular consequence: missense variant.
Genome position (GRCh38, 1-based): chr4:1,978,700, C>T. VCF-style: chr4-1978700-C-T. GRCh37 (hg19) VCF-style: chr4-1980427-C-T.
Other names: c.3889C>T, p.His1297Tyr (NM_133330.3, NM_133331.3, NM_133335.4); short protein forms H1297Y.
Identifiers: ClinVar variation 2186754 (VCV002186754.5), dbSNP rs2474781785, ClinGen allele CA356005148.

ClinVar aggregate classification (germline): Uncertain significance. Review status: criteria provided, multiple submitters, no conflicts (2 of 4 stars). 2 submissions from 2 submitters: Uncertain significance (2). Last evaluated 2024-04-29.

Allele frequency attached by ClinVar (database versions not stated): gnomAD exomes below 0.00001.
gnomAD v4.1: 2 of 1,613,988 alleles (0.00012%); highest among the groups gnomAD compares: Non-Finnish European, 0.00017%; no homozygotes.

Submissions (2):

Women's Health and Genetics/Laboratory Corporation of America, LabCorp
Classification: Uncertain significance. Last evaluated: 2024-04-29. Review status: criteria provided, single submitter. Criteria: LabCorp Variant Classification Summary - May 2015. Collection method: clinical testing. Allele origin: germline.
Comment: Variant summary: NSD2 c.3889C>T (p.His1297Tyr) results in a conservative amino acid change in the encoded protein sequence. Three of five in-silico tools predict a benign effect of the variant on protein function. The variant was absent in 251300 control chromosomes. The available data on variant occurrences in the general population are insufficient to allow any conclusion about variant significance. To our knowledge, no occurrence of c.3889C>T in individuals affected with Rauch-Steindl Syndrome and no experimental evidence demonstrating its impact on protein function have been reported. ClinVar contains an entry for this variant (Variation ID: 2186754). Based on the evidence outlined above, the variant was classified as uncertain significance.

Labcorp Genetics (formerly Invitae), Labcorp
Classification: Uncertain significance. Last evaluated: 2022-03-12. Review status: criteria provided, single submitter. Criteria: Invitae Variant Classification Sherloc (09022015). Collection method: clinical testing. Allele origin: germline.
Comment: Algorithms developed to predict the effect of missense changes on protein structure and function (SIFT, PolyPhen-2, Align-GVGD) all suggest that this variant is likely to be disruptive. In summary, the available evidence is currently insufficient to determine the role of this variant in disease. Therefore, it has been classified as a Variant of Uncertain Significance. This variant has not been reported in the literature in individuals affected with WHSC1-related conditions. This sequence change replaces histidine, which is basic and polar, with tyrosine, which is neutral and polar, at codon 1297 of the WHSC1 protein (p.His1297Tyr). This variant is not present in population databases (gnomAD no frequency).